The following is an entry in ClinVar:

ClinVar aggregate classification (germline): Uncertain significance (1 of 4 stars; one submission).

Submission:

Labcorp Genetics (formerly Invitae), Labcorp
Classification: Uncertain significance. Last evaluated: 2025-04-11. Review status: criteria provided, single submitter. Criteria: Invitae Variant Classification Sherloc (09022015). Collection method: clinical testing. Allele origin: germline.
Comment: This sequence change replaces alanine, which is neutral and non-polar, with threonine, which is neutral and polar, at codon 257 of the SPPL2A protein (p.Ala257Thr). This variant is not present in population databases (gnomAD no frequency). This variant has not been reported in the literature in individuals affected with SPPL2A-related conditions. An algorithm developed to predict the effect of missense changes on protein structure and function (PolyPhen-2) suggests that this variant is likely to be disruptive. In summary, the available evidence is currently insufficient to determine the role of this variant in disease. Therefore, it has been classified as a Variant of Uncertain Significance.

NM_032802.4(SPPL2A):c.769G>A (p.Ala257Thr)

Gene: SPPL2A (signal peptide peptidase like 2A; minus strand). Cytogenetic location: 15q21.2.
Variant type: single nucleotide variant.
Coding change: c.769G>A on transcript NM_032802.4 (MANE Select); coding-DNA position 769, G replaced by A.
Protein change: p.Ala257Thr; replaces alanine 257 with threonine.
Molecular consequence: missense variant.
Genome position (GRCh38, 1-based): chr15:50,736,705, C>T on the plus strand (G>A on the coding strand, the complement: SPPL2A is on the minus strand). VCF-style: chr15-50736705-C-T. GRCh37 (hg19) VCF-style: chr15-51028902-C-T.
Other names: c.769G>A, p.Ala257Thr (NM_001438111.1, NM_001438112.1); short protein forms A257T.
Identifiers: ClinVar variation 4780488 (VCV004780488.1).